The following is an entry in ClinVar:

ClinVar aggregate classification (germline): Uncertain significance. Review status: criteria provided, multiple submitters, no conflicts (2 of 4 stars). 2 submissions from 2 submitters: Uncertain significance (2). Last evaluated 2024-08-07.

Conditions:
Familial thoracic aortic aneurysm and aortic dissection (TAAD). Also called: Thoracic aortic aneurysms and dissections. Identifiers: Orphanet 91387, MedGen C4707243, MONDO:0019625.
Arterial tortuosity syndrome (ATORS). Identifiers: Orphanet 3342, MedGen C1859726, MONDO:0008818, OMIM 208050.

Allele frequency attached by ClinVar (database versions not stated): TOPMed 0.00002; gnomAD 0.00003 and 0.00004; gnomAD exomes below 0.00001.
gnomAD v4.1: 6 of 1,613,984 alleles (0.00037%); highest among the groups gnomAD compares: African/African-American, 0.0067%; no homozygotes.

Submissions (2):

Ambry Genetics
Classification: Uncertain significance for Familial thoracic aortic aneurysm and aortic dissection. Last evaluated: 2024-08-07. Review status: criteria provided, single submitter. Criteria: Ambry Variant Classification Scheme 2023. Collection method: clinical testing. Allele origin: germline.
Comment: The p.N227S variant (also known as c.680A>G), located in coding exon 2 of the SLC2A10 gene, results from an A to G substitution at nucleotide position 680. The asparagine at codon 227 is replaced by serine, an amino acid with highly similar properties. This amino acid position is well conserved in available vertebrate species. In addition, this alteration is predicted to be tolerated by in silico analysis. Since supporting evidence is limited at this time, the clinical significance of this alteration remains unclear.

Labcorp Genetics (formerly Invitae), Labcorp
Classification: Uncertain significance for Arterial tortuosity syndrome. Last evaluated: 2022-08-09. Review status: criteria provided, single submitter. Criteria: Invitae Variant Classification Sherloc (09022015). Collection method: clinical testing. Allele origin: germline.
Comment: This sequence change replaces asparagine, which is neutral and polar, with serine, which is neutral and polar, at codon 227 of the SLC2A10 protein (p.Asn227Ser). In summary, the available evidence is currently insufficient to determine the role of this variant in disease. Therefore, it has been classified as a Variant of Uncertain Significance. Advanced modeling of protein sequence and biophysical properties (such as structural, functional, and spatial information, amino acid conservation, physicochemical variation, residue mobility, and thermodynamic stability) performed at Invitae indicates that this missense variant is not expected to disrupt SLC2A10 protein function. ClinVar contains an entry for this variant (Variation ID: 520176). This variant has not been reported in the literature in individuals affected with SLC2A10-related conditions. This variant is present in population databases (no rsID available, gnomAD 0.008%).

NM_030777.4(SLC2A10):c.680A>G (p.Asn227Ser)

Gene: SLC2A10 (solute carrier family 2 member 10; plus strand). Cytogenetic location: 20q13.12.
Variant type: single nucleotide variant.
Coding change: c.680A>G on transcript NM_030777.4 (MANE Select); coding-DNA position 680, A replaced by G.
Protein change: p.Asn227Ser; replaces asparagine 227 with serine.
Molecular consequence: missense variant.
Genome position (GRCh38, 1-based): chr20:46,725,716, A>G. VCF-style: chr20-46725716-A-G. GRCh37 (hg19) VCF-style: chr20-45354355-A-G.
Other names: short protein forms N227S.
Identifiers: ClinVar variation 520176 (VCV000520176.11), dbSNP rs959288629, ClinGen allele CA315755988.